The following is an entry in ClinVar:

ClinVar aggregate classification (germline): Uncertain significance (1 of 4 stars; one submission).

gnomAD v4.1: 1 of 1,614,062 alleles (0.000062%); highest among the groups gnomAD compares: South Asian, 0.0011%; no homozygotes.

Submission:

Labcorp Genetics (formerly Invitae), Labcorp
Classification: Uncertain significance. Last evaluated: 2024-01-31. Review status: criteria provided, single submitter. Criteria: Invitae Variant Classification Sherloc (09022015). Collection method: clinical testing. Allele origin: germline.
Comment: This sequence change replaces isoleucine, which is neutral and non-polar, with valine, which is neutral and non-polar, at codon 167 of the HK1 protein (p.Ile167Val). This variant is not present in population databases (gnomAD no frequency). This variant has not been reported in the literature in individuals affected with HK1-related conditions. Advanced modeling of protein sequence and biophysical properties (such as structural, functional, and spatial information, amino acid conservation, physicochemical variation, residue mobility, and thermodynamic stability) performed at Invitae indicates that this missense variant is not expected to disrupt HK1 protein function with a negative predictive value of 80%. In summary, the available evidence is currently insufficient to determine the role of this variant in disease. Therefore, it has been classified as a Variant of Uncertain Significance.

NM_000188.3(HK1):c.499A>G (p.Ile167Val)

Gene: HK1 (hexokinase 1; plus strand). Cytogenetic location: 10q22.1.
Variant type: single nucleotide variant.
Coding change: c.499A>G on transcript NM_000188.3 (MANE Select); coding-DNA position 499, A replaced by G.
Protein change: p.Ile167Val; replaces isoleucine 167 with valine.
Molecular consequence: missense variant. On other transcripts: intron variant (1).
Genome position (GRCh38, 1-based): chr10:69,368,539, A>G. VCF-style: chr10-69368539-A-G. GRCh37 (hg19) VCF-style: chr10-71128295-A-G.
Other names: c.463A>G, p.Ile155Val (NM_033500.2); c.496-698A>G (NM_001322367.1); c.511A>G, p.Ile171Val (NM_001322364.2, NM_001358263.1, NM_033497.3 and 1 more transcripts); c.604A>G, p.Ile202Val (NM_001322365.2); c.415A>G, p.Ile139Val (NM_001322366.1); c.496A>G, p.Ile166Val (NM_033496.3); short protein forms I155V, I139V, I167V, I166V, I171V, I202V.
Identifiers: ClinVar variation 3684532 (VCV003684532.2).